The following is an entry in ClinVar:

ClinVar aggregate classification (germline): Uncertain significance. Review status: criteria provided, multiple submitters, no conflicts (2 of 4 stars). 3 submissions from 3 submitters: Uncertain significance (2). 1 of the submissions does not count toward it. Last evaluated 2020-02-17.

Conditions:
Epilepsy, childhood absence, susceptibility to, 1. Also called: Epilepsy, childhood absence 1. Identifiers: Orphanet 64280, MedGen C1838604, MONDO:0020759, OMIM 600131.
Epilepsy, childhood absence, susceptibility to, 5. Identifiers: Orphanet 64280, MedGen C2677087, MONDO:0012843, OMIM 612269.
GABRB3-related disorder. Also called: GABRB3-related condition.

Submissions (3):

Labcorp Genetics (formerly Invitae), Labcorp
Classification: Uncertain significance for Epilepsy, childhood absence, susceptibility to, 5; Epilepsy, childhood absence, susceptibility to, 1. Last evaluated: 2020-02-17. Review status: criteria provided, single submitter. Criteria: Invitae Variant Classification Sherloc (09022015). Collection method: clinical testing. Allele origin: germline.
Comment: This sequence change replaces asparagine with lysine at codon 174 of the GABRB3 protein (p.Asn174Lys). The asparagine residue is highly conserved and there is a moderate physicochemical difference between asparagine and lysine. This variant is not present in population databases (ExAC no frequency). This variant has not been reported in the literature in individuals with GABRB3-related conditions. Algorithms developed to predict the effect of missense changes on protein structure and function (SIFT, PolyPhen-2, Align-GVGD) all suggest that this variant is likely to be disruptive, but these predictions have not been confirmed by published functional studies and their clinical significance is uncertain. In summary, the available evidence is currently insufficient to determine the role of this variant in disease. Therefore, it has been classified as a Variant of Uncertain Significance.

GeneDx
Classification: Uncertain significance. Last evaluated: 2019-09-27. Review status: criteria provided, single submitter. Criteria: GeneDx Variant Classification Process June 2021. Collection method: clinical testing. Allele origin: germline. Affected: yes.
Comment: Not observed in large population cohorts (Lek et al., 2016); In silico analysis, which includes protein predictors and evolutionary conservation, supports a deleterious effect; Has not been previously published as pathogenic or benign to our knowledge

PreventionGenetics, part of Exact Sciences
Classification: Uncertain significance for GABRB3-related condition. Last evaluated: 2024-07-03. Review status: no assertion criteria provided. Collection method: clinical testing. Allele origin: germline. Not counted in ClinVar's aggregate classification.
Comment: The GABRB3 c.522C>G variant is predicted to result in the amino acid substitution p.Asn174Lys. To our knowledge, this variant has not been reported in the literature or in a large population database, indicating this variant is rare. At this time, the clinical significance of this variant is uncertain due to the absence of conclusive functional and genetic evidence.

NM_000814.6(GABRB3):c.522C>G (p.Asn174Lys)

Gene: GABRB3 (gamma-aminobutyric acid type A receptor subunit beta3; minus strand). Cytogenetic location: 15q12.
Variant type: single nucleotide variant.
Coding change: c.522C>G on transcript NM_000814.6 (MANE Select); coding-DNA position 522, C replaced by G.
Protein change: p.Asn174Lys; replaces asparagine 174 with lysine.
Molecular consequence: missense variant.
Genome position (GRCh38, 1-based): chr15:26,583,354, G>C on the plus strand (C>G on the coding strand, the complement: GABRB3 is on the minus strand). VCF-style: chr15-26583354-G-C. GRCh37 (hg19) VCF-style: chr15-26828501-G-C.
Other names: c.267C>G, p.Asn89Lys (NM_001191320.2, NM_001278631.2); c.309C>G, p.Asn103Lys (NM_001191321.3); c.522C>G, p.Asn174Lys (NM_021912.5); short protein forms N103K, N174K, N89K.
Identifiers: ClinVar variation 1052030 (VCV001052030.12), dbSNP rs2140737726, ClinGen allele CA391458013.
Genomic context (GRCh38, chr15:26,583,354, plus strand): 5'-AAATAGGAGGAGAAAGAAACACAGATACGGATACACACAGCTTTCAATTTCCAGAGTGCA[G>C]TTCTGCTCGTCCAGGGGGTATCTCCTGAGGTCCATCATGCATGCTGCTGTCGTGGTGATT-3'
Protein context (NP_000805.1, residues 164-184): DLRRYPLDEQ[Asn174Lys]CTLEIESYGY